The following is an entry in ClinVar:

NM_015192.4(PLCB1):c.1167+16G>A

Gene: PLCB1 (phospholipase C beta 1; plus strand). Cytogenetic location: 20p12.3.
Variant type: single nucleotide variant.
Coding change: c.1167+16G>A on transcript NM_015192.4 (MANE Select); 16 bases into the intron after coding-DNA position 1167, G replaced by A.
Molecular consequence: intron variant.
Genome position (GRCh38, 1-based): chr20:8,697,799, G>A. VCF-style: chr20-8697799-G-A. GRCh37 (hg19) VCF-style: chr20-8678446-G-A.
Other names: c.1167+16G>A (NM_182734.3).
Identifiers: ClinVar variation 260593 (VCV000260593.18), dbSNP rs2295179, ClinGen allele CA9759884.

ClinVar aggregate classification (germline): Benign/Likely benign. Review status: criteria provided, multiple submitters, no conflicts (2 of 4 stars). 9 submissions from 9 submitters: Benign (7); Likely benign (1). 1 of the submissions does not count toward it. Last evaluated 2026-02-04.

Conditions:
Developmental and epileptic encephalopathy, 12 (DEE12). Identifiers: MedGen C3150988, MONDO:0013389, OMIM 613722.

Allele frequency attached by ClinVar (database versions not stated): 1000 Genomes Project 30x 0.52983; 1000 Genomes Project 0.53295; TOPMed 0.54995; gnomAD 0.57134 and 0.57652; ESP Exome Variant Server 0.57573; gnomAD exomes 0.62131 and 0.65951; ExAC 0.62529.
gnomAD v4.1: 1,049,415 of 1,611,096 alleles (65%); highest among the groups gnomAD compares: South Asian, 71%; 347,666 homozygotes.

Submissions (9):

Labcorp Genetics (formerly Invitae), Labcorp
Classification: Benign for Developmental and epileptic encephalopathy, 12. Last evaluated: 2026-02-04. Review status: criteria provided, single submitter. Criteria: Invitae Variant Classification Sherloc (09022015). Collection method: clinical testing. Allele origin: germline.

Blueprint Genetics
Classification: Likely benign. Last evaluated: 2024-11-28. Review status: criteria provided, single submitter. Criteria: ACMG Guidelines, 2015. Collection method: clinical testing. Allele origin: germline.

Unidad de Genómica Garrahan, Hospital de Pediatría Garrahan
Classification: Benign. Last evaluated: 2024-07-15. Review status: criteria provided, single submitter. Criteria: ACMG Guidelines, 2015. Collection method: clinical testing. Allele origin: germline. Affected: no. Observed: 70 variant alleles.
Comment: This variant is classified as Benign based on local population frequency. This variant was detected in 75% of patients studied in a panel designed for Epileptic and Developmental Encephalopathy and Progressive Myoclonus Epilepsy. Number of patients: 70. Only high quality variants are reported.

Genome-Nilou Lab
Classification: Benign for Developmental and epileptic encephalopathy, 12. Last evaluated: 2021-09-05. Review status: criteria provided, single submitter. Criteria: ACMG Guidelines, 2015. Collection method: clinical testing. Allele origin: germline. Affected: no.

GeneDx
Classification: Benign. Last evaluated: 2019-03-04. Review status: criteria provided, single submitter. Criteria: GeneDx Variant Classification Process June 2021. Collection method: clinical testing. Allele origin: germline. Affected: yes.

Genome Diagnostics Laboratory, University Medical Center Utrecht
Classification: Benign for Developmental and epileptic encephalopathy, 12. Last evaluated: 2014-10-09. Review status: criteria provided, single submitter. Criteria: ACGS Guidelines, 2013. Collection method: clinical testing. Allele origin: germline. Affected: yes. Study: VKGL Data-share Consensus.

Breakthrough Genomics
Classification: Benign. Review status: criteria provided, single submitter. Criteria: ACMG Guidelines, 2015. Collection method: not provided. Allele origin: germline. Inheritance: Autosomal recessive inheritance. Affected: yes.

PreventionGenetics, part of Exact Sciences
Classification: Benign. Review status: criteria provided, single submitter. Criteria: ACMG Guidelines, 2015. Collection method: clinical testing. Allele origin: germline.

Diagnostic Laboratory, Department of Genetics, University Medical Center Groningen
Classification: Benign for Developmental and epileptic encephalopathy, 12. Review status: no assertion criteria provided. Collection method: clinical testing. Allele origin: germline. Affected: yes. Study: VKGL Data-share Consensus. Not counted in ClinVar's aggregate classification.